The following is an entry in ClinVar:

ClinVar aggregate classification (germline): Uncertain significance. Review status: criteria provided, multiple submitters, no conflicts (2 of 4 stars). 2 submissions from 2 submitters: Uncertain significance (2). Last evaluated 2025-05-27.

Conditions:
ADCY3-related disorder. Also called: ADCY3-related condition.
Inborn genetic diseases. Identifiers: MedGen C0950123, MeSH D030342.

gnomAD v4.1: 9 of 1,614,060 alleles (0.00056%); highest among the groups gnomAD compares: Admixed American, 0.013%; no homozygotes.

Submissions (2):

PreventionGenetics, part of Exact Sciences
Classification: Uncertain significance for ADCY3-related condition. Last evaluated: 2025-05-27. Review status: criteria provided, single submitter. Criteria: ACMG Guidelines, 2015. Collection method: clinical testing. Allele origin: germline.
Comment: The ADCY3 c.2412C>G variant is predicted to result in the amino acid substitution p.His804Gln. To our knowledge, this variant has not been reported in the literature. This variant is reported in 0.014% of alleles in individuals of Latino descent in gnomAD. At this time, the clinical significance of this variant is uncertain due to the absence of conclusive functional and genetic evidence.

Ambry Genetics
Classification: Uncertain significance for Inborn genetic diseases. Last evaluated: 2024-11-24. Review status: criteria provided, single submitter. Criteria: Ambry Variant Classification Scheme 2023. Collection method: clinical testing. Allele origin: germline.

NM_004036.5(ADCY3):c.2412C>G (p.His804Gln)

Gene: ADCY3 (adenylate cyclase 3; minus strand). Cytogenetic location: 2p23.3.
Variant type: single nucleotide variant.
Coding change: c.2412C>G on transcript NM_004036.5 (MANE Select); coding-DNA position 2412, C replaced by G.
Protein change: p.His804Gln; replaces histidine 804 with glutamine.
Molecular consequence: missense variant. On other transcripts: intron variant (1).
Genome position (GRCh38, 1-based): chr2:24,827,922, G>C on the plus strand (C>G on the coding strand, the complement: ADCY3 is on the minus strand). VCF-style: chr2-24827922-G-C. GRCh37 (hg19) VCF-style: chr2-25050791-G-C.
Other names: c.2412C>G (NM_004036.3); c.2412C>G, p.His804Gln (NM_001320613.2, NM_001377132.1); c.2478C>G, p.His826Gln (NM_001377128.1); c.2274C>G, p.His758Gln (NM_001377129.1); c.1689C>G, p.His563Gln (NM_001377131.1); c.2172+2787C>G (NM_001377130.1); short protein forms H563Q, H758Q, H804Q, H826Q.
Identifiers: ClinVar variation 3357828 (VCV003357828.3).